The following is an entry in ClinVar:

ClinVar aggregate classification (germline): Uncertain significance (1 of 4 stars; one submission).

gnomAD v4.1: 2 of 1,614,082 alleles (0.00012%); highest among the groups gnomAD compares: African/African-American, 0.0027%; no homozygotes.

Submission:

GeneDx
Classification: Uncertain significance. Last evaluated: 2025-06-06. Review status: criteria provided, single submitter. Criteria: GeneDx Variant Classification Process June 2021. Collection method: clinical testing. Allele origin: germline. Affected: yes.
Comment: Not observed at significant frequency in large population cohorts (gnomAD); In silico analysis supports that this missense variant has a deleterious effect on protein structure/function; Has not been previously published as pathogenic or benign to our knowledge

NM_000384.3(APOB):c.1585C>A (p.Gln529Lys)

Gene: APOB (apolipoprotein B; minus strand). Cytogenetic location: 2p24.1.
Variant type: single nucleotide variant.
Coding change: c.1585C>A on transcript NM_000384.3 (MANE Select); coding-DNA position 1585, C replaced by A.
Protein change: p.Gln529Lys; replaces glutamine 529 with lysine.
Molecular consequence: missense variant.
Genome position (GRCh38, 1-based): chr2:21,029,671, G>T on the plus strand (C>A on the coding strand, the complement: APOB is on the minus strand). VCF-style: chr2-21029671-G-T. GRCh37 (hg19) VCF-style: chr2-21252543-G-T.
Other names: short protein forms Q529K.
Identifiers: ClinVar variation 4536318 (VCV004536318.1).